The following is an entry in ClinVar:

NM_014679.5(CEP57):c.1231A>G (p.Lys411Glu)

Gene: CEP57 (centrosomal protein 57; plus strand). Cytogenetic location: 11q21.
Variant type: single nucleotide variant.
Coding change: c.1231A>G on transcript NM_014679.5 (MANE Select); coding-DNA position 1231, A replaced by G.
Protein change: p.Lys411Glu; replaces lysine 411 with glutamic acid.
Molecular consequence: missense variant.
Genome position (GRCh38, 1-based): chr11:95,829,290, A>G. VCF-style: chr11-95829290-A-G. GRCh37 (hg19) VCF-style: chr11-95562454-A-G.
Other names: c.1204A>G, p.Lys402Glu (NM_001243776.2); c.1153A>G, p.Lys385Glu (NM_001243777.2); c.1150A>G, p.Lys384Glu (NM_001363604.2); short protein forms K411E, K384E, K402E, K385E.
Identifiers: ClinVar variation 1412555 (VCV001412555.8), dbSNP rs2135378928, ClinGen allele CA382408916.

ClinVar aggregate classification (germline): Uncertain significance (1 of 4 stars; one submission).

Conditions:
Mosaic variegated aneuploidy syndrome 2 (MVA2). Identifiers: Orphanet 1052, MedGen C3279843, MONDO:0013582, OMIM 614114.

Submission:

Labcorp Genetics (formerly Invitae), Labcorp
Classification: Uncertain significance for Mosaic variegated aneuploidy syndrome 2. Last evaluated: 2024-02-23. Review status: criteria provided, single submitter. Criteria: Invitae Variant Classification Sherloc (09022015). Collection method: clinical testing. Allele origin: germline.
Comment: This sequence change replaces lysine, which is basic and polar, with glutamic acid, which is acidic and polar, at codon 411 of the CEP57 protein (p.Lys411Glu). This variant is not present in population databases (gnomAD no frequency). This variant has not been reported in the literature in individuals affected with CEP57-related conditions. ClinVar contains an entry for this variant (Variation ID: 1412555). Advanced modeling of protein sequence and biophysical properties (such as structural, functional, and spatial information, amino acid conservation, physicochemical variation, residue mobility, and thermodynamic stability) performed at Invitae indicates that this missense variant is expected to disrupt CEP57 protein function with a positive predictive value of 80%. In summary, the available evidence is currently insufficient to determine the role of this variant in disease. Therefore, it has been classified as a Variant of Uncertain Significance.